The following is an entry in ClinVar:

ClinVar aggregate classification (germline): Uncertain significance (1 of 4 stars; one submission).

gnomAD v4.1: 2 of 1,614,206 alleles (0.00012%); highest among the groups gnomAD compares: Non-Finnish European, 0.00017%; no homozygotes.

Submission:

GeneDx
Classification: Uncertain significance. Last evaluated: 2024-05-14. Review status: criteria provided, single submitter. Criteria: GeneDx Variant Classification Process June 2021. Collection method: clinical testing. Allele origin: germline. Affected: yes.
Comment: Not observed at significant frequency in large population cohorts (gnomAD); In silico analysis indicates that this missense variant does not alter protein structure/function; Has not been previously published as pathogenic or benign to our knowledge

NM_015202.5(KATNIP):c.1151T>C (p.Leu384Pro)

Gene: KATNIP (katanin interacting protein; plus strand). Cytogenetic location: 16p12.1.
Variant type: single nucleotide variant.
Coding change: c.1151T>C on transcript NM_015202.5 (MANE Select); coding-DNA position 1151, T replaced by C.
Protein change: p.Leu384Pro; replaces leucine 384 with proline.
Molecular consequence: missense variant.
Genome position (GRCh38, 1-based): chr16:27,699,571, T>C. VCF-style: chr16-27699571-T-C. GRCh37 (hg19) VCF-style: chr16-27710892-T-C.
Other names: short protein forms L384P.
Identifiers: ClinVar variation 3378082 (VCV003378082.1).